The following is an entry in ClinVar:

NM_001039141.3(TRIOBP):c.6248G>A (p.Arg2083His)

Gene: TRIOBP (TRIO and F-actin binding protein; plus strand). Cytogenetic location: 22q13.1.
Variant type: single nucleotide variant.
Coding change: c.6248G>A on transcript NM_001039141.3 (MANE Select); coding-DNA position 6248, G replaced by A.
Protein change: p.Arg2083His; replaces arginine 2083 with histidine.
Molecular consequence: missense variant.
Genome position (GRCh38, 1-based): chr22:37,759,188, G>A. VCF-style: chr22-37759188-G-A. GRCh37 (hg19) VCF-style: chr22-38155195-G-A.
Other names: c.6248G>A (NM_001039141.2); c.1109G>A, p.Arg370His (NM_007032.5, NM_138632.2); short protein forms R2083H, R370H.
Identifiers: ClinVar variation 1120109 (VCV001120109.9), dbSNP rs185791823, ClinGen allele CA10224924.

ClinVar aggregate classification (germline): Uncertain significance. Review status: criteria provided, multiple submitters, no conflicts (2 of 4 stars). 4 submissions from 4 submitters: Uncertain significance (4). Last evaluated 2026-07-22.

Conditions:
TRIOBP-related disorder. Also called: TRIOBP-related condition.

Allele frequency attached by ClinVar (database versions not stated): gnomAD 0.00006 and 0.00009; gnomAD exomes 0.00007 and 0.00013; ExAC 0.00011; TOPMed 0.00011; 1000 Genomes Project 30x 0.00062; 1000 Genomes Project 0.00080.
gnomAD v4.1: 129 of 1,612,946 alleles (0.008%); highest among the groups gnomAD compares: East Asian, 0.089%; no homozygotes.

Submissions (4):

PreventionGenetics, part of Exact Sciences
Classification: Uncertain significance for TRIOBP-related condition. Last evaluated: 2026-07-22. Review status: criteria provided, single submitter. Criteria: ACMG Guidelines, 2015. Collection method: clinical testing. Allele origin: germline.
Comment: The TRIOBP c.6248G>A variant is predicted to result in the amino acid substitution p.Arg2083His. To our knowledge, this variant has not been reported in the literature. This variant is reported in 0.15% of alleles in individuals of East Asian descent in gnomAD. Although we suspect that this variant may be benign, at this time, the clinical significance of this variant is uncertain due to the absence of conclusive functional and genetic evidence.

Blueprint Genetics
Classification: Uncertain significance. Last evaluated: 2024-03-22. Review status: criteria provided, single submitter. Criteria: ACMG Guidelines, 2015. Collection method: clinical testing. Allele origin: germline.

Labcorp Genetics (formerly Invitae), Labcorp
Classification: Uncertain significance. Last evaluated: 2022-07-18. Review status: criteria provided, single submitter. Criteria: Invitae Variant Classification Sherloc (09022015). Collection method: clinical testing. Allele origin: germline.
Comment: This sequence change replaces arginine, which is basic and polar, with histidine, which is basic and polar, at codon 2083 of the TRIOBP protein (p.Arg2083His). This variant is present in population databases (rs185791823, gnomAD 0.1%). This variant has not been reported in the literature in individuals affected with TRIOBP-related conditions. ClinVar contains an entry for this variant (Variation ID: 1120109). Algorithms developed to predict the effect of missense changes on protein structure and function are either unavailable or do not agree on the potential impact of this missense change (SIFT: "Deleterious"; PolyPhen-2: "Probably Damaging"; Align-GVGD: "Class C0"). In summary, the available evidence is currently insufficient to determine the role of this variant in disease. Therefore, it has been classified as a Variant of Uncertain Significance.

Laboratory for Molecular Medicine, Mass General Brigham Personalized Medicine
Classification: Uncertain significance. Last evaluated: 2020-06-01. Review status: criteria provided, single submitter. Criteria: LMM Criteria. Collection method: clinical testing. Allele origin: germline. Observed: 1 variant allele.
Comment: The p.Arg2083His variant in TRIOBP has not been previously reported in individuals with hearing loss but has been identified in 0.1% (29/19860) of East Asian chromosomes by gnomAD. Computational prediction tools and conservation analyses suggest that this variant may impact the protein, though this information is not predictive enough to determine pathogenicity. In summary, the clinical significance of this variant is uncertain. ACMG/AMP Criteria applied: BS1_Supporting, PP3.